The following is an entry in ClinVar:

ClinVar aggregate classification (germline): Uncertain significance. Review status: criteria provided, multiple submitters, no conflicts (2 of 4 stars). 2 submissions from 2 submitters: Uncertain significance (2). Last evaluated 2024-12-10.

Conditions:
RYR1-related disorder. Also called: RYR1-related condition; RYR1-related disorders. Identifiers: MedGen CN239331.

Submissions (2):

Women's Health and Genetics/Laboratory Corporation of America, LabCorp
Classification: Uncertain significance. Last evaluated: 2024-12-10. Review status: criteria provided, single submitter. Criteria: LabCorp Variant Classification Summary - May 2015. Collection method: clinical testing. Allele origin: germline.
Comment: Variant summary: RYR1 c.10000T>C (p.Trp3334Arg) results in a non-conservative amino acid change in the encoded protein sequence. Five of five in-silico tools predict a damaging effect of the variant on protein function. The variant was absent in 248616 control chromosomes. The available data on variant occurrences in the general population are insufficient to allow any conclusion about variant significance. To our knowledge, no occurrence of c.10000T>C in individuals affected with Myopathy, RYR1-Associated and no experimental evidence demonstrating its impact on protein function have been reported. No submitters have cited clinical-significance assessments for this variant to ClinVar. Based on the evidence outlined above, the variant was classified as uncertain significance.

Labcorp Genetics (formerly Invitae), Labcorp
Classification: Uncertain significance for RYR1-related disorder. Last evaluated: 2024-11-12. Review status: criteria provided, single submitter. Criteria: Invitae Variant Classification Sherloc (09022015). Collection method: clinical testing. Allele origin: germline.
Comment: This sequence change replaces tryptophan, which is neutral and slightly polar, with arginine, which is basic and polar, at codon 3334 of the RYR1 protein (p.Trp3334Arg). This variant is not present in population databases (gnomAD no frequency). This variant has not been reported in the literature in individuals affected with RYR1-related conditions. Invitae Evidence Modeling of protein sequence and biophysical properties (such as structural, functional, and spatial information, amino acid conservation, physicochemical variation, residue mobility, and thermodynamic stability) has been performed for this missense variant. However, the output from this modeling did not meet the statistical confidence thresholds required to predict the impact of this variant on RYR1 protein function. In summary, the available evidence is currently insufficient to determine the role of this variant in disease. Therefore, it has been classified as a Variant of Uncertain Significance.

NM_000540.3(RYR1):c.10000T>C (p.Trp3334Arg)

Gene: RYR1 (ryanodine receptor 1; plus strand). Cytogenetic location: 19q13.2.
Variant type: single nucleotide variant.
Coding change: c.10000T>C on transcript NM_000540.3 (MANE Select); coding-DNA position 10000, T replaced by C.
Protein change: p.Trp3334Arg; replaces tryptophan 3334 with arginine.
Molecular consequence: missense variant.
Genome position (GRCh38, 1-based): chr19:38,517,673, T>C. VCF-style: chr19-38517673-T-C. GRCh37 (hg19) VCF-style: chr19-39008313-T-C.
Other names: c.10000T>C, p.Trp3334Arg (NM_001042723.2); short protein forms W3334R.
Identifiers: ClinVar variation 3636241 (VCV003636241.3).
Genomic context (GRCh38, chr19:38,517,673, plus strand): 5'-TCCCTGCTGGGGAATATCCTGAGAATCATCGTCAACAACCTGGGCATTGACGAGGCCTCC[T>C]GGATGAAGCGGCTGGCTGGTGGGTCGGGGGGCACTGGGCCTCTGAGGGGTGGGTCAGCAG-3'
Protein context (NP_000531.2, residues 3324-3344): VNNLGIDEAS[Trp3334Arg]MKRLAVFAQP